The following is an entry in ClinVar:

NM_015346.4(ZFYVE26):c.1675T>C (p.Cys559Arg)

Gene: ZFYVE26 (zinc finger FYVE-type containing 26; minus strand). Cytogenetic location: 14q24.1.
Variant type: single nucleotide variant.
Coding change: c.1675T>C on transcript NM_015346.4 (MANE Select); coding-DNA position 1675, T replaced by C.
Protein change: p.Cys559Arg; replaces cysteine 559 with arginine.
Molecular consequence: missense variant.
Genome position (GRCh38, 1-based): chr14:67,798,587, A>G on the plus strand (T>C on the coding strand, the complement: ZFYVE26 is on the minus strand). VCF-style: chr14-67798587-A-G. GRCh37 (hg19) VCF-style: chr14-68265304-A-G.
Other names: short protein forms C559R.
Identifiers: ClinVar variation 2195092 (VCV002195092.1), dbSNP rs2502858409, ClinGen allele CA390176112.

ClinVar aggregate classification (germline): Uncertain significance (1 of 4 stars; one submission).

Conditions:
Spastic paraplegia. Identifiers: MedGen C0037772, HP:0001258.

gnomAD v4.1: 2 of 1,614,082 alleles (0.00012%); no homozygotes.

Submission:

Labcorp Genetics (formerly Invitae), Labcorp
Classification: Uncertain significance for Spastic paraplegia. Last evaluated: 2022-03-04. Review status: criteria provided, single submitter. Criteria: Invitae Variant Classification Sherloc (09022015). Collection method: clinical testing. Allele origin: germline.
Comment: This sequence change replaces cysteine, which is neutral and slightly polar, with arginine, which is basic and polar, at codon 559 of the ZFYVE26 protein (p.Cys559Arg). This variant is not present in population databases (gnomAD no frequency). This variant has not been reported in the literature in individuals affected with ZFYVE26-related conditions. Algorithms developed to predict the effect of missense changes on protein structure and function are either unavailable or do not agree on the potential impact of this missense change (SIFT: "Deleterious"; PolyPhen-2: "Probably Damaging"; Align-GVGD: "Class C0"). In summary, the available evidence is currently insufficient to determine the role of this variant in disease. Therefore, it has been classified as a Variant of Uncertain Significance.